The following is an entry in ClinVar:

ClinVar aggregate classification (germline): Pathogenic (1 of 4 stars; one submission).

Conditions:
Sjögren-Larsson syndrome (SLS). Also called: FALDH DEFICIENCY; FATTY ALCOHOL:NAD+ OXIDOREDUCTASE DEFICIENCY; FATTY ALDEHYDE DEHYDROGENASE DEFICIENCY; ICHTHYOSIS, SPASTIC NEUROLOGIC DISORDER, AND OLIGOPHRENIA. Identifiers: Orphanet 816, MedGen C0037231, MONDO:0010031, OMIM 270200.

gnomAD v4.1: 1 of 1,614,082 alleles (0.000062%); no homozygotes.

Submission:

Myriad Genetics, Inc.
Classification: Pathogenic for Sjögren-Larsson syndrome. Last evaluated: 2026-07-29. Review status: criteria provided, single submitter. Criteria: Myriad Autosomal Dominant, Autosomal Recessive and X-Linked Classification Criteria (2023). Collection method: clinical testing. Allele origin: unknown.
Comment: NM_000382.2(ALDH3A2):c.892C>T(Q298*) is expected to be pathogenic in the context of Sjogren-Larsson syndrome. This variant is predicted to lead to an abnormal or absent protein product due to the creation of a premature termination codon in ALDH3A2, a gene where loss-of-function variants are known to be pathogenic. Please note: this variant was assessed in the context of healthy population screening.

NM_000382.3(ALDH3A2):c.892C>T (p.Gln298Ter)

Gene: ALDH3A2 (aldehyde dehydrogenase 3 family member A2; plus strand). Cytogenetic location: 17p11.2.
Variant type: single nucleotide variant.
Coding change: c.892C>T on transcript NM_000382.3 (MANE Select); coding-DNA position 892, C replaced by T.
Protein change: p.Gln298Ter; replaces glutamine 298 with a stop codon.
Molecular consequence: nonsense.
Genome position (GRCh38, 1-based): chr17:19,661,220, C>T. VCF-style: chr17-19661220-C-T. GRCh37 (hg19) VCF-style: chr17-19564533-C-T.
Other names: c.892C>T, p.Gln298Ter (NM_001031806.2, NM_001369136.1, NM_001369137.2 and 3 more transcripts); c.313C>T, p.Gln105Ter (NM_001369148.2); short protein forms Q105*, Q298*.
Identifiers: ClinVar variation 5013219 (VCV005013219.1).